The following is an entry in ClinVar:

NM_032608.7(MYO18B):c.182C>T (p.Ala61Val)

Gene: MYO18B (myosin XVIIIB; plus strand). Cytogenetic location: 22q12.1.
Variant type: single nucleotide variant.
Coding change: c.182C>T on transcript NM_032608.7 (MANE Select); coding-DNA position 182, C replaced by T.
Protein change: p.Ala61Val; replaces alanine 61 with valine.
Molecular consequence: missense variant.
Genome position (GRCh38, 1-based): chr22:25,763,373, C>T. VCF-style: chr22-25763373-C-T. GRCh37 (hg19) VCF-style: chr22-26159340-C-T.
Other names: c.182C>T (NM_032608.5); c.182C>T, p.Ala61Val (NM_001318245.2); short protein forms A61V.
Identifiers: ClinVar variation 1449345 (VCV001449345.6), dbSNP rs753058190, ClinGen allele CA10159509.

ClinVar aggregate classification (germline): Uncertain significance. Review status: criteria provided, multiple submitters, no conflicts (2 of 4 stars). 2 submissions from 2 submitters: Uncertain significance (2). Last evaluated 2025-08-20.

Conditions:
Inborn genetic diseases. Identifiers: MedGen C0950123, MeSH D030342.

Allele frequency attached by ClinVar (database versions not stated): gnomAD exomes 0.00003 and 0.00011; ExAC 0.00007; gnomAD 0.00016 and 0.00017; TOPMed 0.00022.
gnomAD v4.1: 68 of 1,611,120 alleles (0.0042%); highest among the groups gnomAD compares: Admixed American, 0.071%; no homozygotes.

Submissions (2):

Ambry Genetics
Classification: Uncertain significance for Inborn genetic diseases. Last evaluated: 2025-08-20. Review status: criteria provided, single submitter. Criteria: Ambry Variant Classification Scheme 2023. Collection method: clinical testing. Allele origin: germline.

Labcorp Genetics (formerly Invitae), Labcorp
Classification: Uncertain significance. Last evaluated: 2022-07-05. Review status: criteria provided, single submitter. Criteria: Invitae Variant Classification Sherloc (09022015). Collection method: clinical testing. Allele origin: germline.
Comment: This sequence change replaces alanine, which is neutral and non-polar, with valine, which is neutral and non-polar, at codon 61 of the MYO18B protein (p.Ala61Val). This variant is present in population databases (rs753058190, gnomAD 0.07%). This variant has not been reported in the literature in individuals affected with MYO18B-related conditions. ClinVar contains an entry for this variant (Variation ID: 1449345). Algorithms developed to predict the effect of missense changes on protein structure and function are either unavailable or do not agree on the potential impact of this missense change (SIFT: "Not Available"; PolyPhen-2: "Possibly Damaging"; Align-GVGD: "Not Available"). In summary, the available evidence is currently insufficient to determine the role of this variant in disease. Therefore, it has been classified as a Variant of Uncertain Significance.